The following is an entry in ClinVar:

NM_001165963.4(SCN1A):c.1129C>T (p.Arg377Ter)

Gene: SCN1A (sodium voltage-gated channel alpha subunit 1; minus strand). Cytogenetic location: 2q24.3.
Variant type: single nucleotide variant.
Coding change: c.1129C>T on transcript NM_001165963.4 (MANE Select); coding-DNA position 1129, C replaced by T.
Protein change: p.Arg377Ter; replaces arginine 377 with a stop codon.
Molecular consequence: nonsense. On other transcripts: 5 prime UTR variant (1), non-coding transcript variant (1).
Genome position (GRCh38, 1-based): chr2:166,047,668, G>A on the plus strand (C>T on the coding strand, the complement: SCN1A is on the minus strand). VCF-style: chr2-166047668-G-A. GRCh37 (hg19) VCF-style: chr2-166904178-G-A.
Other names: c.1129C>T, p.Arg377Ter (NM_001165964.3, NM_001202435.3, NM_001353948.2 and 10 more transcripts); c.-1297C>T (NM_001353961.2); c.1129C>T (NM_001202435.1); short protein forms R377*.
Identifiers: ClinVar variation 189963 (VCV000189963.54), dbSNP rs794726799, ClinGen allele CA303421.

ClinVar aggregate classification (germline): Pathogenic. Review status: criteria provided, multiple submitters, no conflicts (2 of 4 stars). 11 submissions from 11 submitters: Pathogenic (7). 4 of the submissions do not count toward it. Last evaluated 2025-08-30.

Conditions:
SCN1A-related disorder. Also called: SCN1A-related disorders; SCN1A-related conditions; SCN1A-related condition.
Early-infantile DEE. Also called: Ohtahara syndrome; Early infantile epileptic encephalopathy with suppression bursts; Early infantile epileptic encephalopathy. Identifiers: Orphanet 1934, MedGen C0393706, MONDO:0800491.
Severe myoclonic epilepsy in infancy (DRVT). Also called: SEVERE MYOCLONIC EPILEPSY OF INFANCY; DEVELOPMENTAL AND EPILEPTIC ENCEPHALOPATHY 6A; Severe Myoclonic Epilepsy in Infancy (SMEI); Dravet syndrome; Epileptic encephalopathy, early infantile, 6 (Dravet syndrome). Identifiers: Orphanet 33069, MedGen C0751122, MONDO:0100135, OMIM 607208.
Seizure. Also called: Seizures. Identifiers: MedGen C0036572, HP:0001250.

Submissions (11):

Labcorp Genetics (formerly Invitae), Labcorp
Classification: Pathogenic for Early-infantile DEE. Last evaluated: 2025-08-30. Review status: criteria provided, single submitter. Criteria: Invitae Variant Classification Sherloc (09022015). Collection method: clinical testing. Allele origin: germline.
Comment: This sequence change creates a premature translational stop signal (p.Arg377*) in the SCN1A gene. It is expected to result in an absent or disrupted protein product. Loss-of-function variants in SCN1A are known to be pathogenic (PMID: 17347258, 18930999). This variant is not present in population databases (gnomAD no frequency). This premature translational stop signal has been observed in individual(s) with Dravet syndrome (PMID: 17054684, 23808377, 27465585). In at least one individual the variant was observed to be de novo. ClinVar contains an entry for this variant (Variation ID: 189963). Algorithms developed to predict the effect of sequence changes on RNA splicing suggest that this variant may disrupt the consensus splice site. For these reasons, this variant has been classified as Pathogenic.

PreventionGenetics, part of Exact Sciences
Classification: Pathogenic for SCN1A-related condition. Last evaluated: 2024-12-19. Review status: criteria provided, single submitter. Criteria: ACMG Guidelines, 2015. Collection method: clinical testing. Allele origin: germline.
Comment: The SCN1A c.1129C>T variant is predicted to result in premature protein termination (p.Arg377*). This variant is well reported in the heterozygous state in individuals with SCN1A related seizure disorders (Mancardi et al. 2006. PubMed ID: 17054684; Gaily et al. 2013. PubMed ID: 23808377; Lee et al. 2017. PubMed ID: 28664031; Fang et al. 2019. PubMed ID: 31009440). This variant has not been reported in a large population database (gnomAD), indicating this variant is rare. Nonsense variants in SCN1A are expected to be pathogenic. This variant is interpreted as pathogenic.

3billion
Classification: Pathogenic for SCN1A-related disorder. Last evaluated: 2024-11-12. Review status: criteria provided, single submitter. Criteria: ACMG Guidelines, 2015. Collection method: clinical testing. Allele origin: germline. Affected: yes.
Comment: The variant is not observed in the gnomAD v4.1.0 dataset. Predicted Consequence/Location: Stop-gained (nonsense): predicted to result in a loss or disruption of normal protein function through nonsense-mediated decay (NMD) or protein truncation. Multiple pathogenic variants are reported downstream of the variant. The variant has been reported at least twice as pathogenic with clinical assertions and evidence for the classification (ClinVar ID: VCV000189963 /PMID: 17054684 /3billion dataset). Therefore, this variant is classified as Pathogenic according to the recommendation of ACMG/AMP guideline.

GeneDx
Classification: Pathogenic. Last evaluated: 2024-08-08. Review status: criteria provided, single submitter. Criteria: GeneDx Variant Classification Process June 2021. Collection method: clinical testing. Allele origin: germline. Affected: yes.
Comment: Nonsense variant predicted to result in protein truncation or nonsense mediated decay in a gene for which loss of function is a known mechanism of disease; Not observed at significant frequency in large population cohorts (gnomAD); This variant is associated with the following publications: (PMID: 25525159, 17054684, 27465585, 30182498, 30321769, 26096185, 31009440, 30868114, 23808377, 30641252, 32090326, 33278787, 32427350, 31440721, 31031587, 28664031, 35074891, 36480001, 36801247)

CeGaT Center for Human Genetics Tuebingen
Classification: Pathogenic. Last evaluated: 2020-07-01. Review status: criteria provided, single submitter. Criteria: CeGaT Center For Human Genetics Tuebingen Variant Classification Criteria Version 2. Collection method: clinical testing. Allele origin: germline. Affected: yes. Observed: 1 variant allele.

Center for Bioinformatics, Peking University
Classification: Pathogenic for Dravet syndrome. Last evaluated: 2014-12-20. Review status: criteria provided, single submitter. Criteria: Xu et al. (Hum Mutat. 2015). Collection method: research. Allele origin: de novo. Affected: yes. Observed: 2 variant alleles. Study: University Clinical Cooperation “985 Project” PKU-2014-1-1.
Comment: Dravet syndrome (DS) probands were recruited from the outpatient and inpatient child neurology units of Peking University First Hospital from 2005 till present. The study was approved by the Ethics Committee of Peking University First Hospital and the Institutional Review Board at Peking University. Participants or their parents provided written informed consent before enrollment. We collected a total of 267 mutations from 255 families with probands diagnosed with DS in China. All probands fulfilled the clinical diagnostic criteria.

Neuberg Centre For Genomic Medicine, NCGM
Classification: Pathogenic for Severe myoclonic epilepsy in infancy. Review status: criteria provided, single submitter. Criteria: ACMG Guidelines, 2015. Collection method: clinical testing. Allele origin: germline. Affected: yes.
Comment: The stop gained variant c.1129C>T(p.Arg377Ter) in SCN1A gene has been reported previously in individuals affected with Dravet syndrome (Djémié et al., 2016). This variant has been reported to the ClinVar database as Pathogenic. The p.Arg377Ter variant is novel (not in any individuals) in gnomAD Exomes and 1000 Genomes. The nucleotide change in SCN1A is predicted as conserved by GERP++ and PhyloP across 100 vertebrates. This variant is predicted to cause loss of normal protein function through protein truncation. Loss-of-function variants in SCN1A are known to be pathogenic (Harkin et al., 2007; Depienne et al., 2009). For these reasons, this variant has been classified as Pathogenic.

Cytogénomique, Hospices Civils de Lyon
Classification: Pathogenic for Severe myoclonic epilepsy in infancy. Review status: no assertion criteria provided. Collection method: clinical testing. Allele origin: unknown. Inheritance: Autosomal dominant inheritance. Affected: yes. Not counted in ClinVar's aggregate classification.

Diagnostic Laboratory, Department of Genetics, University Medical Center Groningen
Classification: Pathogenic. Review status: no assertion criteria provided. Collection method: clinical testing. Allele origin: germline. Affected: yes. Study: VKGL Data-share Consensus. Not counted in ClinVar's aggregate classification.

Diagnostic Laboratory, Strasbourg University Hospital
Classification: Likely pathogenic for Seizure. Review status: no assertion criteria provided. Collection method: clinical testing. Allele origin: de novo. Affected: yes. Observed: 1 heterozygote. Not counted in ClinVar's aggregate classification.

Joint Genome Diagnostic Labs from Nijmegen and Maastricht, Radboudumc and MUMC+
Classification: Pathogenic. Review status: no assertion criteria provided. Collection method: clinical testing. Allele origin: germline. Affected: yes. Study: VKGL Data-share Consensus. Not counted in ClinVar's aggregate classification.

Literature cited by the submitters: PubMed 17347258 (cited by Labcorp Genetics (formerly Invitae), Labcorp); PubMed 18930999 (cited by Labcorp Genetics (formerly Invitae), Labcorp); PubMed 17054684 (cited by Labcorp Genetics (formerly Invitae), Labcorp and 3billion); PubMed 23808377 (cited by Labcorp Genetics (formerly Invitae), Labcorp); PubMed 27465585 (cited by Labcorp Genetics (formerly Invitae), Labcorp).